The following is an entry in ClinVar:

NM_000540.3(RYR1):c.6487dup (p.Arg2163fs)

Gene: RYR1 (ryanodine receptor 1; plus strand). Cytogenetic location: 19q13.2.
Variant type: Duplication.
Coding change: c.6487dup on transcript NM_000540.3 (MANE Select); coding-DNA position 6487, one base duplicated (C; older notation c.6487dupC).
Protein change: p.Arg2163fs; shifts the reading frame from arginine 2163.
Molecular consequence: frameshift variant.
Genome position (GRCh38, 1-based): chr19:38,494,564, C duplicated; the last of 2 consecutive C bases (chr19:38,494,563-38,494,564); duplicating either gives the same sequence. VCF-style (leftmost placement, unchanged base first): chr19-38494562-T-TC. GRCh37 (hg19) VCF-style: chr19-38985202-T-TC.
Other names: c.6487dup, p.Arg2163fs (NM_001042723.2); short protein forms R2163fs.
Identifiers: ClinVar variation 4722447 (VCV004722447.1).

ClinVar aggregate classification (germline): Pathogenic (1 of 4 stars; one submission).

Conditions:
RYR1-related disorder. Also called: RYR1-related condition; RYR1-related disorders. Identifiers: MedGen CN239331.

Submission:

Labcorp Genetics (formerly Invitae), Labcorp
Classification: Pathogenic for RYR1-related disorder. Last evaluated: 2025-07-11. Review status: criteria provided, single submitter. Criteria: Invitae Variant Classification Sherloc (09022015). Collection method: clinical testing. Allele origin: germline.
Comment: This sequence change creates a premature translational stop signal (p.Arg2163Profs*90) in the RYR1 gene. It is expected to result in an absent or disrupted protein product. Loss-of-function variants in RYR1 are known to be pathogenic (PMID: 23919265, 25960145, 28818389, 30611313). This variant is not present in population databases (gnomAD no frequency). This variant has not been reported in the literature in individuals affected with RYR1-related conditions. For these reasons, this variant has been classified as Pathogenic.

Literature cited by the submitters: PubMed 23919265; PubMed 25960145; PubMed 28818389; PubMed 30611313.